The following is an entry in ClinVar:

NM_001374623.1(PNPLA1):c.350C>T (p.Thr117Met)

Gene: PNPLA1 (patatin like domain 1, omega-hydroxyceramide transacylase; plus strand). Cytogenetic location: 6p21.31.
Variant type: single nucleotide variant.
Coding change: c.350C>T on transcript NM_001374623.1 (MANE Select); coding-DNA position 350, C replaced by T.
Protein change: p.Thr117Met; replaces threonine 117 with methionine.
Molecular consequence: missense variant.
Genome position (GRCh38, 1-based): chr6:36,291,464, C>T. VCF-style: chr6-36291464-C-T. GRCh37 (hg19) VCF-style: chr6-36259241-C-T.
Other names: c.350C>T, p.Thr117Met (NM_001145717.1); c.65C>T, p.Thr22Met (NM_001145716.2, NM_173676.2); short protein forms T117M, T22M.
Identifiers: ClinVar variation 375257 (VCV000375257.3), dbSNP rs371307766, ClinGen allele CA3777657.

ClinVar aggregate classification (germline): Uncertain significance. Review status: criteria provided, single submitter (1 of 4 stars). 2 submissions from 2 submitters: Uncertain significance (1). 1 of the submissions does not count toward it. Last evaluated 2024-04-19.

Conditions:
Autosomal recessive congenital ichthyosis 10 (ARCI10). Identifiers: Orphanet 79394, MedGen C3554355, MONDO:0014011, OMIM 615024.

Allele frequency attached by ClinVar (database versions not stated): gnomAD 0.00001; ESP Exome Variant Server 0.00008; ExAC 0.00002.
gnomAD v4.1: 19 of 1,613,508 alleles (0.0012%); highest among the groups gnomAD compares: South Asian, 0.0077%; no homozygotes.

Submissions (2):

Women's Health and Genetics/Laboratory Corporation of America, LabCorp
Classification: Uncertain significance. Last evaluated: 2024-04-19. Review status: criteria provided, single submitter. Criteria: LabCorp Variant Classification Summary - May 2015. Collection method: clinical testing. Allele origin: germline.
Comment: Variant summary: PNPLA1 c.350C>T (p.Thr117Met) results in a non-conservative amino acid change in the encoded protein sequence. Three of five in-silico tools predict a damaging effect of the variant on protein function. The variant allele was found at a frequency of 1.6e-05 in 251452 control chromosomes. The available data on variant occurrences in the general population are insufficient to allow any conclusion about variant significance. c.350C>T has been reported in the literature in at least one compound heterozygous individual affected with congenital ichthyosis (e.g. Pichery_2017). These data do not provide sufficient evidence to allow any conclusion about variant significance. To our knowledge, no experimental evidence demonstrating an impact on protein function has been reported. The following publication has been ascertained in the context of this evaluation (PMID: 28369476). ClinVar contains an entry for this variant (Variation ID: 375257). Based on the evidence outlined above, the variant was classified as uncertain significance.

Unité de Différenciation Epithéliale et Auto-Immunité Rhumatoïde, INSERM - Université Paul Sabatier
Classification: Likely pathogenic for Autosomal recessive congenital ichthyosis 10. Review status: no assertion criteria provided. Collection method: research, provider interpretation. Allele origin: germline. Inheritance: Autosomal recessive inheritance. Affected: yes and no. Observed: 2 variant alleles, 1 heterozygote, 1 compound heterozygote. Not counted in ClinVar's aggregate classification.
Comment: This variant has been seen as a compound heterozygote in association with c.[335C>A], [p.Ser112Tyr].

Literature cited by the submitters: PubMed 28369476 (cited by Women's Health and Genetics/Laboratory Corporation of America, LabCorp and Unité de Différenciation Epithéliale et Auto-Immunité Rhumatoïde, INSERM - Université Paul Sabatier).